The following is an entry in ClinVar:

ClinVar aggregate classification (germline): Uncertain significance (1 of 4 stars; one submission).

Conditions:
Breast-ovarian cancer, familial, susceptibility to, 4. Identifiers: Orphanet 145, MedGen C3280345, MONDO:0013669, OMIM 614291.

Submission:

Labcorp Genetics (formerly Invitae), Labcorp
Classification: Uncertain significance for Breast-ovarian cancer, familial, susceptibility to, 4. Last evaluated: 2019-09-23. Review status: criteria provided, single submitter. Criteria: Invitae Variant Classification Sherloc (09022015). Collection method: clinical testing. Allele origin: germline.
Comment: In summary, the available evidence is currently insufficient to determine the role of this variant in disease. Therefore, it has been classified as a Variant of Uncertain Significance. Algorithms developed to predict the effect of missense changes on protein structure and function (SIFT, PolyPhen-2, Align-GVGD) all suggest that this variant is likely to be tolerated, but these predictions have not been confirmed by published functional studies and their clinical significance is uncertain. This variant has not been reported in the literature in individuals with RAD51D-related conditions. This variant is not present in population databases (ExAC no frequency). This sequence change replaces cysteine with tyrosine at codon 294 of the RAD51D protein (p.Cys294Tyr). The cysteine residue is weakly conserved and there is a large physicochemical difference between cysteine and tyrosine.

NM_002878.4(RAD51D):c.881G>A (p.Cys294Tyr)

Genes: RAD51D (RAD51 paralog D; minus strand), RAD51L3-RFFL (RAD51L3-RFFL readthrough; minus strand). Cytogenetic location: 17q12.
Variant type: single nucleotide variant.
Coding change: c.881G>A on transcript NM_002878.4 (MANE Select); coding-DNA position 881, G replaced by A.
Protein change: p.Cys294Tyr; replaces cysteine 294 with tyrosine.
Molecular consequence: missense variant. On other transcripts: non-coding transcript variant (3).
Genome position (GRCh38, 1-based): chr17:35,101,223, C>T on the plus strand (G>A on the coding strand, the complement: RAD51D is on the minus strand). VCF-style: chr17-35101223-C-T. GRCh37 (hg19) VCF-style: chr17-33428242-C-T.
Other names: c.941G>A, p.Cys314Tyr (NM_001142571.2); c.545G>A, p.Cys182Tyr (NM_133629.3); short protein forms C294Y, C182Y, C314Y.
Identifiers: ClinVar variation 933645 (VCV000933645.6), dbSNP rs2091532002, ClinGen allele CA399086364.
Genomic context (GRCh38, chr17:35,101,223, plus strand): 5'-GGCCCAAGATTACTGGCATCTTCCTGGGGCTGGCTCACCTGTCGGGAAGATTTGGCCAGA[C>T]ACGCCATGCGCCGGCCGCCTGATGCTCCTGCTCCCTCGATGGTGTCCAGGAGAATCCGAG-3'
Protein context (NP_002869.3, residues 284-304): AGASGGRRMA[Cys294Tyr]LAKSSRQPTG